The following is an entry in ClinVar:

NM_000195.5(HPS1):c.79C>T (p.Arg27Trp)

Gene: HPS1 (HPS1 biogenesis of lysosomal organelles complex 3 subunit 1; minus strand). Cytogenetic location: 10q24.2.
Variant type: single nucleotide variant.
Coding change: c.79C>T on transcript NM_000195.5 (MANE Select); coding-DNA position 79, C replaced by T.
Protein change: p.Arg27Trp; replaces arginine 27 with tryptophan.
Molecular consequence: missense variant. On other transcripts: 5 prime UTR variant (6).
Genome position (GRCh38, 1-based): chr10:98,443,162, G>A on the plus strand (C>T on the coding strand, the complement: HPS1 is on the minus strand). VCF-style: chr10-98443162-G-A. GRCh37 (hg19) VCF-style: chr10-100202919-G-A.
Other names: c.-838C>T (NM_001311345.2); c.79C>T, p.Arg27Trp (NM_001322476.2, NM_001322477.2, NM_001322478.2 and 8 more transcripts); c.-148C>T (NM_001322483.2, NM_001322484.2, NM_001322485.2); c.-937C>T (NM_001322487.2); c.-695C>T (NM_001322489.2); short protein forms R27W.
Identifiers: ClinVar variation 2184063 (VCV002184063.1), dbSNP rs747422528, ClinGen allele CA5639519.

ClinVar aggregate classification (germline): Uncertain significance (1 of 4 stars; one submission).

Allele frequency attached by ClinVar (database versions not stated): ExAC 0.00001; gnomAD 0.00001.
gnomAD v4.1: 12 of 1,613,744 alleles (0.00074%); highest among the groups gnomAD compares: East Asian, 0.0045%; no homozygotes.

Submission:

Labcorp Genetics (formerly Invitae), Labcorp
Classification: Uncertain significance. Last evaluated: 2021-08-27. Review status: criteria provided, single submitter. Criteria: Invitae Variant Classification Sherloc (09022015). Collection method: clinical testing. Allele origin: germline.
Comment: This sequence change replaces arginine with tryptophan at codon 27 of the HPS1 protein (p.Arg27Trp). The arginine residue is moderately conserved and there is a moderate physicochemical difference between arginine and tryptophan. This variant is present in population databases (rs747422528, ExAC 0.01%). This variant has not been reported in the literature in individuals affected with HPS1-related conditions. Algorithms developed to predict the effect of missense changes on protein structure and function output the following: SIFT: "Deleterious"; PolyPhen-2: "Benign"; Align-GVGD: "Class C0". The tryptophan amino acid residue is found in multiple mammalian species, which suggests that this missense change does not adversely affect protein function. In summary, the available evidence is currently insufficient to determine the role of this variant in disease. Therefore, it has been classified as a Variant of Uncertain Significance.